The following is an entry in ClinVar:

NM_004329.3(BMPR1A):c.1587T>A (p.Asp529Glu)

Gene: BMPR1A (bone morphogenetic protein receptor type 1A; plus strand). Cytogenetic location: 10q23.2.
Variant type: single nucleotide variant.
Coding change: c.1587T>A on transcript NM_004329.3 (MANE Select); coding-DNA position 1587, T replaced by A.
Protein change: p.Asp529Glu; replaces aspartic acid 529 with glutamic acid.
Molecular consequence: missense variant.
Genome position (GRCh38, 1-based): chr10:86,923,707, T>A. VCF-style: chr10-86923707-T-A. GRCh37 (hg19) VCF-style: chr10-88683464-T-A.
Other names: short protein forms D529E.
Identifiers: ClinVar variation 219600 (VCV000219600.21), dbSNP rs864622175, ClinGen allele CA349186.

ClinVar aggregate classification (germline): Uncertain significance. Review status: criteria provided, multiple submitters, no conflicts (2 of 4 stars). 6 submissions from 6 submitters: Uncertain significance (6). Last evaluated 2025-07-16.

Conditions:
Juvenile polyposis syndrome (JPS). Identifiers: Orphanet 2929, MedGen C0345893, MONDO:0017380, OMIM 174900.
Hereditary cancer-predisposing syndrome. Also called: Tumor predisposition; Hereditary neoplastic syndrome; Neoplastic Syndromes, Hereditary; Hereditary Cancer Syndrome. Identifiers: Orphanet 140162, MedGen C0027672, MeSH D009386, MONDO:0015356.

Allele frequency attached by ClinVar (database versions not stated): TOPMed below 0.00001.

Submissions (6):

Ambry Genetics
Classification: Uncertain significance for Hereditary cancer-predisposing syndrome. Last evaluated: 2025-07-16. Review status: criteria provided, single submitter. Criteria: Ambry Variant Classification Scheme 2023. Collection method: clinical testing. Allele origin: germline.
Comment: The p.D529E variant (also known as c.1587T>A), located in coding exon 11 of the BMPR1A gene, results from a T to A substitution at nucleotide position 1587. The aspartic acid at codon 529 is replaced by glutamic acid, an amino acid with highly similar properties. This amino acid position is highly conserved in available vertebrate species. In addition, the in silico prediction for this alteration is inconclusive. Since supporting evidence is limited at this time, the clinical significance of this alteration remains unclear.

St. Jude Molecular Pathology, St. Jude Children's Research Hospital
Classification: Uncertain significance for Juvenile polyposis syndrome. Last evaluated: 2024-09-23. Review status: criteria provided, single submitter. Criteria: St. Jude Assertion Criteria 2020. Collection method: clinical testing. Allele origin: germline.
Comment: The BMPR1A c.1587T>A (p.Asp529Glu) missense change is absent in gnomAD v2.1.1. The in silico tool REVEL is inconclusive about a pathogenic or benign effect of this variant on protein function, and to our knowledge functional studies have not been performed. To our knowledge, this variant has not been reported in individuals with juvenile polyposis syndrome. In summary, the evidence currently available is insufficient to determine the clinical significance of this variant. It has therefore been classified as of uncertain significance.

Labcorp Genetics (formerly Invitae), Labcorp
Classification: Uncertain significance for Juvenile polyposis syndrome. Last evaluated: 2024-04-22. Review status: criteria provided, single submitter. Criteria: Invitae Variant Classification Sherloc (09022015). Collection method: clinical testing. Allele origin: germline.
Comment: This sequence change replaces aspartic acid, which is acidic and polar, with glutamic acid, which is acidic and polar, at codon 529 of the BMPR1A protein (p.Asp529Glu). This variant is not present in population databases (gnomAD no frequency). This variant has not been reported in the literature in individuals affected with BMPR1A-related conditions. ClinVar contains an entry for this variant (Variation ID: 219600). Advanced modeling of protein sequence and biophysical properties (such as structural, functional, and spatial information, amino acid conservation, physicochemical variation, residue mobility, and thermodynamic stability) performed at Invitae indicates that this missense variant is not expected to disrupt BMPR1A protein function with a negative predictive value of 80%. In summary, the available evidence is currently insufficient to determine the role of this variant in disease. Therefore, it has been classified as a Variant of Uncertain Significance.

Color Diagnostics, LLC DBA Color Health
Classification: Uncertain significance for Hereditary cancer-predisposing syndrome. Last evaluated: 2024-03-06. Review status: criteria provided, single submitter. Criteria: ACMG Guidelines, 2015. Collection method: clinical testing. Allele origin: germline.
Comment: This missense variant replaces aspartic acid with glutamic acid at codon 529 of the BMPR1A protein. Computational prediction suggests that this variant may not impact protein structure and function (internally defined REVEL score threshold <= 0.5, PMID: 27666373). To our knowledge, functional studies have not been reported for this variant. This variant has not been reported in individuals affected with BMPR1A-related disorders in the literature. This variant has not been identified in the general population by the Genome Aggregation Database (gnomAD). The available evidence is insufficient to determine the role of this variant in disease conclusively. Therefore, this variant is classified as a Variant of Uncertain Significance.

All of Us Research Program, National Institutes of Health
Classification: Uncertain significance for Juvenile polyposis syndrome. Last evaluated: 2023-08-23. Review status: criteria provided, single submitter. Criteria: ACMG Guidelines, 2015. Collection method: clinical testing. Allele origin: germline. Inheritance: Autosomal dominant inheritance. Observed: 1 variant allele, 1 heterozygote.
Comment: This missense variant replaces aspartic acid with glutamic acid at codon 529 of the BMPR1A protein. Computational prediction suggests that this variant may not impact protein structure and function (internally defined REVEL score threshold <= 0.5, PMID: 27666373). To our knowledge, functional studies have not been reported for this variant. This variant has not been reported in individuals affected with BMPR1A-related disorders in the literature. This variant has not been identified in the general population by the Genome Aggregation Database (gnomAD). The available evidence is insufficient to determine the role of this variant in disease conclusively. Therefore, this variant is classified as a Variant of Uncertain Significance.

This study involves interpretation of variants in research participants for the purpose of population health screening. Participant phenotype was not available at the time of variant classification. Additional details can be found in publication PMID: 35346344, PMCID: PMC8962531

Women's Health and Genetics/Laboratory Corporation of America, LabCorp
Classification: Uncertain significance. Last evaluated: 2022-09-16. Review status: criteria provided, single submitter. Criteria: LabCorp Variant Classification Summary - May 2015. Collection method: clinical testing. Allele origin: germline.